The following is an entry in ClinVar:

ClinVar aggregate classification (germline): Uncertain significance (1 of 4 stars; one submission).

Submission:

Labcorp Genetics (formerly Invitae), Labcorp
Classification: Uncertain significance. Last evaluated: 2023-10-23. Review status: criteria provided, single submitter. Criteria: Invitae Variant Classification Sherloc (09022015). Collection method: clinical testing. Allele origin: germline.
Comment: This sequence change replaces proline, which is neutral and non-polar, with leucine, which is neutral and non-polar, at codon 844 of the CACNA1D protein (p.Pro844Leu). This variant is not present in population databases (gnomAD no frequency). This variant has not been reported in the literature in individuals affected with CACNA1D-related conditions. An algorithm developed to predict the effect of missense changes on protein structure and function (PolyPhen-2) suggests that this variant is likely to be disruptive. In summary, the available evidence is currently insufficient to determine the role of this variant in disease. Therefore, it has been classified as a Variant of Uncertain Significance.

NM_001128840.3(CACNA1D):c.2471C>T (p.Pro824Leu)

Gene: CACNA1D (calcium voltage-gated channel subunit alpha1 D; plus strand). Cytogenetic location: 3p21.1.
Variant type: single nucleotide variant.
Coding change: c.2471C>T on transcript NM_001128840.3 (MANE Select); coding-DNA position 2471, C replaced by T.
Protein change: p.Pro824Leu; replaces proline 824 with leucine.
Molecular consequence: missense variant.
Genome position (GRCh38, 1-based): chr3:53,732,080, C>T. VCF-style: chr3-53732080-C-T. GRCh37 (hg19) VCF-style: chr3-53766107-C-T.
Other names: c.2531C>T, p.Pro844Leu (NM_000720.4); c.2471C>T, p.Pro824Leu (NM_001128839.3); short protein forms P824L, P844L.
Identifiers: ClinVar variation 2771267 (VCV002771267.3), dbSNP rs2473787467, ClinGen allele CA353241221.
Genomic context (GRCh38, chr3:53,732,080, plus strand): 5'-CAATTGATGACTATAGAGAAGAGGATGAAGACAAGGACCCCTATCCGCCTTGCGATGTGC[C>T]AGGTATGGTGGCGGAGGCCGGAGACGCTGGCTTTGCTGTGTGTCTTTGCTACTGCTCTGT-3'
Protein context (NP_001122312.1, residues 814-834): DKDPYPPCDV[Pro824Leu]VGEEEEEEEE